The following is an entry in ClinVar:

ClinVar aggregate classification (germline): Pathogenic (1 of 4 stars; one submission).

Submission:

CeGaT Center for Human Genetics Tuebingen
Classification: Pathogenic. Last evaluated: 2024-03-01. Review status: criteria provided, single submitter. Criteria: CeGaT Center For Human Genetics Tuebingen Variant Classification Criteria Version 2. Collection method: clinical testing. Allele origin: germline. Affected: yes. Observed: 1 variant allele.
Comment: COL4A1: PM1:Strong, PS2, PM2

NM_001845.6(COL4A1):c.3158G>T (p.Gly1053Val)

Gene: COL4A1 (collagen type IV alpha 1 chain; minus strand). Cytogenetic location: 13q34.
Variant type: single nucleotide variant.
Coding change: c.3158G>T on transcript NM_001845.6 (MANE Select); coding-DNA position 3158, G replaced by T.
Protein change: p.Gly1053Val; replaces glycine 1053 with valine.
Molecular consequence: missense variant.
Genome position (GRCh38, 1-based): chr13:110,175,258, C>A on the plus strand (G>T on the coding strand, the complement: COL4A1 is on the minus strand). VCF-style: chr13-110175258-C-A. GRCh37 (hg19) VCF-style: chr13-110827605-C-A.
Other names: short protein forms G1053V.
Identifiers: ClinVar variation 3027411 (VCV003027411.22), dbSNP rs768591241, ClinGen allele CA388665488.